The following is an entry in ClinVar:

NM_020299.5(AKR1B10):c.672A>G (p.Glu224=)

Gene: AKR1B10 (aldo-keto reductase family 1 member B10; plus strand). Cytogenetic location: 7q33.
Variant type: single nucleotide variant.
Coding change: c.672A>G on transcript NM_020299.5 (MANE Select); coding-DNA position 672, A replaced by G.
Protein change: p.Glu224=; no amino-acid change (glutamic acid 224 retained).
Molecular consequence: synonymous variant.
Genome position (GRCh38, 1-based): chr7:134,537,592, A>G. VCF-style: chr7-134537592-A-G. GRCh37 (hg19) VCF-style: chr7-134222344-A-G.
Identifiers: ClinVar variation 3025741 (VCV003025741.22), dbSNP rs2257307, ClinGen allele CA4493948.
Genomic context (GRCh38, chr7:134,537,592, plus strand): 5'-ACATGGTAGCCATGGTGATTATTCACATCAGCATCTTTCTGCCCCTAGGGCCAAGCCAGA[A>G]GACCCTTCCCTGCTGGAGGATCCCAAGATTAAGGAGATTGCTGCAAAGCACAAAAAAACC-3'
Protein context (NP_064695.3, residues 214-234): GSPDRPWAKP[Glu224=]DPSLLEDPKI

ClinVar aggregate classification (germline): Likely benign (1 of 4 stars; one submission).

Allele frequency attached by ClinVar (database versions not stated): ExAC 0.00001; gnomAD exomes 0.00002; gnomAD 0.00004.
gnomAD v4.1: 36 of 1,613,804 alleles (0.0022%); highest among the groups gnomAD compares: Admixed American, 0.012%; no homozygotes.

Submission:

CeGaT Center for Human Genetics Tuebingen
Classification: Likely benign. Last evaluated: 2022-09-01. Review status: criteria provided, single submitter. Criteria: CeGaT Center For Human Genetics Tuebingen Variant Classification Criteria Version 2. Collection method: clinical testing. Allele origin: germline. Affected: yes. Observed: 1 variant allele.
Comment: AKR1B10: BP4, BP7